The following is an entry in ClinVar:

ClinVar aggregate classification (germline): Uncertain significance. Review status: criteria provided, multiple submitters, no conflicts (2 of 4 stars). 3 submissions from 3 submitters: Uncertain significance (3). Last evaluated 2025-08-27.

Conditions:
Neutropenia, severe congenital, 1, autosomal dominant. Identifiers: MedGen C1859966, MONDO:0042490, OMIM 202700.
Cyclical neutropenia. Also called: Cyclic Neutropenia; Cyclic hematopoiesis. Identifiers: Orphanet 2686, MedGen C0221023, MONDO:0008090, OMIM 162800, HP:0040289. Disease mechanism: loss of function.

Allele frequency attached by ClinVar (database versions not stated): ExAC 0.00001; gnomAD 0.00001; gnomAD exomes 0.00002.

Submissions (3):

Labcorp Genetics (formerly Invitae), Labcorp
Classification: Uncertain significance for Neutropenia, severe congenital, 1, autosomal dominant; Cyclical neutropenia. Last evaluated: 2025-08-27. Review status: criteria provided, single submitter. Criteria: Invitae Variant Classification Sherloc (09022015). Collection method: clinical testing. Allele origin: germline.
Comment: This sequence change replaces isoleucine, which is neutral and non-polar, with methionine, which is neutral and non-polar, at codon 118 of the ELANE protein (p.Ile118Met). This variant is present in population databases (rs759734732, gnomAD 0.02%). This variant has not been reported in the literature in individuals affected with ELANE-related conditions. ClinVar contains an entry for this variant (Variation ID: 957791). Invitae Evidence Modeling of protein sequence and biophysical properties (such as structural, functional, and spatial information, amino acid conservation, physicochemical variation, residue mobility, and thermodynamic stability) has been performed for this missense variant. However, the output from this modeling did not meet the statistical confidence thresholds required to predict the impact of this variant on ELANE protein function. Algorithms developed to predict the effect of sequence changes on RNA splicing suggest that this variant may create or strengthen a splice site. In summary, the available evidence is currently insufficient to determine the role of this variant in disease. Therefore, it has been classified as a Variant of Uncertain Significance.

Blueprint Genetics
Classification: Uncertain significance. Last evaluated: 2024-10-07. Review status: criteria provided, single submitter. Criteria: ACMG Guidelines, 2015. Collection method: clinical testing. Allele origin: germline.

Genomic Medicine Center of Excellence, King Faisal Specialist Hospital and Research Centre
Classification: Uncertain significance for Neutropenia, severe congenital, 1, autosomal dominant. Last evaluated: 2024-03-25. Review status: criteria provided, single submitter. Criteria: ACMG Guidelines, 2015. Collection method: clinical testing. Allele origin: germline.

NM_001972.4(ELANE):c.354C>G (p.Ile118Met)

Gene: ELANE (elastase, neutrophil expressed; plus strand). Cytogenetic location: 19p13.3.
Variant type: single nucleotide variant.
Coding change: c.354C>G on transcript NM_001972.4 (MANE Select); coding-DNA position 354, C replaced by G.
Protein change: p.Ile118Met; replaces isoleucine 118 with methionine.
Molecular consequence: missense variant.
Genome position (GRCh38, 1-based): chr19:853,391, C>G. VCF-style: chr19-853391-C-G. GRCh37 (hg19) VCF-style: chr19-853391-C-G.
Other names: short protein forms I118M.
Identifiers: ClinVar variation 957791 (VCV000957791.8), dbSNP rs759734732, ClinGen allele CA9026007.
Genomic context (GRCh38, chr19:853,391, plus strand): 5'-GTTCGCCGTGCAGCGCATCTTCGAAAACGGCTACGACCCCGTAAACTTGCTCAACGACAT[C>G]GTGATTCTCCAGGTGCCGCCGGGCGGGGCGGGGGGCGCAGGGGCGGAGGCCAGAGGCCTG-3'
Protein context (NP_001963.1, residues 108-128): GYDPVNLLND[Ile118Met]VILQLNGSAT